The following is an entry in ClinVar:

ClinVar aggregate classification (germline): Benign/Likely benign. Review status: criteria provided, multiple submitters, no conflicts (2 of 4 stars). 4 submissions from 4 submitters: Benign (1); Likely benign (3). Last evaluated 2025-10-10.

Conditions:
B3GLCT-related disorder. Also called: B3GLCT-related condition.
Peters plus syndrome. Also called: KRAUSE-KIVLIN SYNDROME. Identifiers: Orphanet 709, MedGen C0796012, MONDO:0009856, OMIM 261540.

Allele frequency attached by ClinVar (database versions not stated): gnomAD exomes 0.00010 and 0.00029; ExAC 0.00031; gnomAD 0.00109 and 0.00113; TOPMed 0.00115; ESP Exome Variant Server 0.00138; 1000 Genomes Project 0.00140; 1000 Genomes Project 30x 0.00156.
gnomAD v4.1: 303 of 1,568,228 alleles (0.019%); highest among the groups gnomAD compares: African/African-American, 0.38%; 1 homozygote.

Submissions (4):

PreventionGenetics, part of Exact Sciences
Classification: Likely benign for B3GLCT-related condition. Last evaluated: 2025-10-10. Review status: criteria provided, single submitter. Criteria: ACMG Guidelines, 2015. Collection method: clinical testing. Allele origin: germline.
Comment: This variant is classified as likely benign based on ACMG/AMP sequence variant interpretation guidelines (Richards et al. 2015 PMID: 25741868, with internal and published modifications).

Labcorp Genetics (formerly Invitae), Labcorp
Classification: Likely benign for Peters plus syndrome. Last evaluated: 2025-07-10. Review status: criteria provided, single submitter. Criteria: Invitae Variant Classification Sherloc (09022015). Collection method: clinical testing. Allele origin: germline.

Institute for Genomic Medicine (IGM) Clinical Laboratory, Nationwide Children's Hospital
Classification: Benign. Last evaluated: 2017-09-05. Review status: criteria provided, single submitter. Criteria: ACMG Guidelines, 2015. Collection method: clinical testing. Allele origin: germline.
Comment: BS1, BS2, BP4; This alteration has an allele frequency that is greater than expected for the associated disease, was seen in a healthy adult where full penetrance of the disorder is expected at an early age, and is predicted to be tolerated by multiple functional prediction tools.

Breakthrough Genomics
Classification: Likely benign. Review status: criteria provided, single submitter. Criteria: ACMG Guidelines, 2015. Collection method: not provided. Allele origin: germline. Inheritance: Autosomal recessive inheritance. Affected: yes.

NM_194318.4(B3GLCT):c.450C>A (p.Asp150Glu)

Gene: B3GLCT (beta 3-glucosyltransferase; plus strand). Cytogenetic location: 13q12.3.
Variant type: single nucleotide variant.
Coding change: c.450C>A on transcript NM_194318.4 (MANE Select); coding-DNA position 450, C replaced by A.
Protein change: p.Asp150Glu; replaces aspartic acid 150 with glutamic acid.
Molecular consequence: missense variant.
Genome position (GRCh38, 1-based): chr13:31,247,957, C>A. VCF-style: chr13-31247957-C-A. GRCh37 (hg19) VCF-style: chr13-31822094-C-A.
Other names: short protein forms D150E.
Identifiers: ClinVar variation 599463 (VCV000599463.15), dbSNP rs141743580, ClinGen allele CA6936584.